The following is an entry in ClinVar:

ClinVar aggregate classification (germline): Likely benign. Review status: criteria provided, multiple submitters, no conflicts (2 of 4 stars). 3 submissions from 3 submitters: Likely benign (2). 1 of the submissions does not count toward it. Last evaluated 2026-01-20.

Conditions:
GLDC-related disorder. Also called: GLDC-related condition.
Glycine encephalopathy. Also called: Nonketotic hyperglycinemia; Non-ketotic hyperglycinemia. Identifiers: Orphanet 407, MedGen C0751748, MONDO:0011612, HP:0008288.

Allele frequency attached by ClinVar (database versions not stated): gnomAD 0.00021 and 0.00022; TOPMed 0.00023; 1000 Genomes Project 0.00060; 1000 Genomes Project 30x 0.00062; gnomAD exomes 0.00002 and 0.00004; ESP Exome Variant Server 0.00008.
gnomAD v4.1: 61 of 1,612,934 alleles (0.0038%); highest among the groups gnomAD compares: African/African-American, 0.073%; no homozygotes.

Submissions (3):

Labcorp Genetics (formerly Invitae), Labcorp
Classification: Likely benign for Glycine encephalopathy. Last evaluated: 2026-01-20. Review status: criteria provided, single submitter. Criteria: Invitae Variant Classification Sherloc (09022015). Collection method: clinical testing. Allele origin: germline.

Blueprint Genetics
Classification: Likely benign. Last evaluated: 2023-04-14. Review status: criteria provided, single submitter. Criteria: ACMG Guidelines, 2015. Collection method: clinical testing. Allele origin: germline.

PreventionGenetics, part of Exact Sciences
Classification: Likely benign for GLDC-related condition. Last evaluated: 2019-08-01. Review status: no assertion criteria provided. Collection method: clinical testing. Allele origin: germline. Not counted in ClinVar's aggregate classification.
Comment: This variant is classified as likely benign based on ACMG/AMP sequence variant interpretation guidelines (Richards et al. 2015 PMID: 25741868, with internal and published modifications).

NM_000170.3(GLDC):c.2097C>T (p.Tyr699=)

Gene: GLDC (glycine decarboxylase; minus strand). Cytogenetic location: 9p24.1.
Variant type: single nucleotide variant.
Coding change: c.2097C>T on transcript NM_000170.3 (MANE Select); coding-DNA position 2097, C replaced by T.
Protein change: p.Tyr699=; no amino-acid change (tyrosine 699 retained).
Molecular consequence: synonymous variant.
Genome position (GRCh38, 1-based): chr9:6,556,258, G>A on the plus strand (C>T on the coding strand, the complement: GLDC is on the minus strand). VCF-style: chr9-6556258-G-A. GRCh37 (hg19) VCF-style: chr9-6556258-G-A.
Identifiers: ClinVar variation 702772 (VCV000702772.14), dbSNP rs149694787, ClinGen allele CA4980390.